The following is an entry in ClinVar:

NM_144687.4(NLRP12):c.1117T>C (p.Tyr373His)

Gene: NLRP12 (NLR family pyrin domain containing 12; minus strand). Cytogenetic location: 19q13.42.
Variant type: single nucleotide variant.
Coding change: c.1117T>C on transcript NM_144687.4 (MANE Select); coding-DNA position 1117, T replaced by C.
Protein change: p.Tyr373His; replaces tyrosine 373 with histidine.
Molecular consequence: missense variant.
Genome position (GRCh38, 1-based): chr19:53,810,542, A>G on the plus strand (T>C on the coding strand, the complement: NLRP12 is on the minus strand). VCF-style: chr19-53810542-A-G. GRCh37 (hg19) VCF-style: chr19-54313796-A-G.
Other names: c.1117T>C, p.Tyr373His (NM_001277126.2, NM_001277129.1); short protein forms Y373H.
Identifiers: ClinVar variation 3406099 (VCV003406099.2).

ClinVar aggregate classification (germline): Uncertain significance. Review status: criteria provided, multiple submitters, no conflicts (2 of 4 stars). 2 submissions from 2 submitters: Uncertain significance (2). Last evaluated 2025-02-27.

Conditions:
Familial cold autoinflammatory syndrome 2 (FCAS2). Identifiers: Orphanet 247868, MedGen C2673198, MONDO:0012724, OMIM 611762.
Inborn genetic diseases. Identifiers: MedGen C0950123, MeSH D030342.

gnomAD v4.1: 6 of 1,614,158 alleles (0.00037%); highest among the groups gnomAD compares: Non-Finnish European, 0.00034%; no homozygotes.

Submissions (2):

Labcorp Genetics (formerly Invitae), Labcorp
Classification: Uncertain significance for Familial cold autoinflammatory syndrome 2. Last evaluated: 2025-02-27. Review status: criteria provided, single submitter. Criteria: Invitae Variant Classification Sherloc (09022015). Collection method: clinical testing. Allele origin: germline.
Comment: This sequence change replaces tyrosine, which is neutral and polar, with histidine, which is basic and polar, at codon 373 of the NLRP12 protein (p.Tyr373His). This variant is present in population databases (rs776188840, gnomAD 0.004%). This variant has not been reported in the literature in individuals affected with NLRP12-related conditions. ClinVar contains an entry for this variant (Variation ID: 3406099). Invitae Evidence Modeling of protein sequence and biophysical properties (such as structural, functional, and spatial information, amino acid conservation, physicochemical variation, residue mobility, and thermodynamic stability) indicates that this missense variant is expected to disrupt NLRP12 protein function with a positive predictive value of 80%. In summary, the available evidence is currently insufficient to determine the role of this variant in disease. Therefore, it has been classified as a Variant of Uncertain Significance.

Ambry Genetics
Classification: Uncertain significance for Inborn genetic diseases. Last evaluated: 2024-11-18. Review status: criteria provided, single submitter. Criteria: Ambry Variant Classification Scheme 2023. Collection method: clinical testing. Allele origin: germline.